The following is an entry in ClinVar:

ClinVar aggregate classification (germline): Uncertain significance (1 of 4 stars; one submission).

Submission:

GeneDx
Classification: Uncertain significance. Last evaluated: 2019-08-16. Review status: criteria provided, single submitter. Criteria: GeneDx Variant Classification Process June 2021. Collection method: clinical testing. Allele origin: germline. Affected: yes.
Comment: Not observed in large population cohorts (Lek et al., 2016); Frameshift variant predicted to result in protein truncation as the last 127 amino acids are lost and replaced with 21 incorrect amino acids, although loss-of-function variants have not been reported downstream of this position in the protein; Has not been previously published as pathogenic or benign to our knowledge

NM_015559.3(SETBP1):c.4409del (p.Asp1470fs)

Gene: SETBP1 (SET binding protein 1; plus strand). Cytogenetic location: 18q12.3.
Variant type: Deletion.
Coding change: c.4409del on transcript NM_015559.3 (MANE Select); coding-DNA position 4409, one base deleted (A; older notation c.4409delA).
Protein change: p.Asp1470fs; shifts the reading frame from aspartic acid 1470.
Molecular consequence: frameshift variant.
Genome position (GRCh38, 1-based): chr18:45,063,316, A deleted. VCF-style (leftmost placement, unchanged base first): chr18-45063315-GA-G. GRCh37 (hg19) VCF-style: chr18-42643280-GA-G.
Other names: c.4409del, p.Asp1470fs (NM_001379141.1, NM_001379142.1); short protein forms D1470fs.
Identifiers: ClinVar variation 1307970 (VCV001307970.2), dbSNP rs2145593538, ClinGen allele CA2573054659.
Genomic context (GRCh38, chr18:45,063,315, plus strand): 5'-GTGAAGAAGAGGCGCGGGCGTCCCAGGAAGCAGCCCACCCAGTTCGATGAGGACTCCAGA[GA>G]CCAAATGCCGGTGCTGGAAAAATGCATCGACCTGCCCAGCAAAAGAGGCCAGAAGCCCAG-3'